The following is an entry in ClinVar:

ClinVar aggregate classification (germline): Likely pathogenic (1 of 4 stars; one submission).

Submission:

Labcorp Genetics (formerly Invitae), Labcorp
Classification: Likely pathogenic. Last evaluated: 2023-08-31. Review status: criteria provided, single submitter. Criteria: Invitae Variant Classification Sherloc (09022015). Collection method: clinical testing. Allele origin: germline.
Comment: In summary, the currently available evidence indicates that the variant is pathogenic, but additional data are needed to prove that conclusively. Therefore, this variant has been classified as Likely Pathogenic. Algorithms developed to predict the effect of sequence changes on RNA splicing suggest that this variant may disrupt the consensus splice site. This sequence change affects a donor splice site in intron 11 of the CNGB3 gene. It is expected to disrupt RNA splicing. Variants that disrupt the donor or acceptor splice site typically lead to a loss of protein function (PMID: 16199547), and loss-of-function variants in CNGB3 are known to be pathogenic (PMID: 28795510). This variant is not present in population databases (gnomAD no frequency). This variant has not been reported in the literature in individuals affected with CNGB3-related conditions.

Literature cited by the submitters: PubMed 16199547; PubMed 28795510.

NM_019098.5(CNGB3):c.1320+1G>A

Gene: CNGB3 (cyclic nucleotide gated channel subunit beta 3; minus strand). Cytogenetic location: 8q21.3.
Variant type: single nucleotide variant.
Coding change: c.1320+1G>A on transcript NM_019098.5 (MANE Select); the canonical splice donor site of the intron after coding-DNA position 1320, G replaced by A.
Molecular consequence: splice donor variant.
Genome position (GRCh38, 1-based): chr8:86,632,751, C>T on the plus strand (G>A on the coding strand, the complement: CNGB3 is on the minus strand). VCF-style: chr8-86632751-C-T. GRCh37 (hg19) VCF-style: chr8-87644979-C-T.
Identifiers: ClinVar variation 2756899 (VCV002756899.4), dbSNP rs2538086728, ClinGen allele CA371444025.